The following is an entry in ClinVar:

ClinVar aggregate classification (germline): Conflicting classifications of pathogenicity. Review status: criteria provided, conflicting classifications (1 of 4 stars). 3 submissions from 3 submitters: Uncertain significance (1); Likely benign (2). Last evaluated 2025-08-27.

Conditions:
Inborn genetic diseases. Identifiers: MedGen C0950123, MeSH D030342.

Allele frequency attached by ClinVar (database versions not stated): gnomAD exomes below 0.00001; ExAC 0.00002; gnomAD 0.00003; TOPMed 0.00003; 1000 Genomes Project 0.00020; 1000 Genomes Project 30x 0.00031.
gnomAD v4.1: 9 of 1,614,154 alleles (0.00056%); highest among the groups gnomAD compares: African/African-American, 0.011%; no homozygotes.

Submissions (3):

Ambry Genetics
Classification: Uncertain significance for Inborn genetic diseases. Last evaluated: 2025-08-27. Review status: criteria provided, single submitter. Criteria: Ambry Variant Classification Scheme 2023. Collection method: clinical testing. Allele origin: germline.

Labcorp Genetics (formerly Invitae), Labcorp
Classification: Likely benign. Last evaluated: 2023-07-03. Review status: criteria provided, single submitter. Criteria: Invitae Variant Classification Sherloc (09022015). Collection method: clinical testing. Allele origin: germline.

GeneDx
Classification: Likely benign. Last evaluated: 2019-10-21. Review status: criteria provided, single submitter. Criteria: GeneDx Variant Classification Process June 2021. Collection method: clinical testing. Allele origin: germline. Affected: yes.
Comment: In silico analysis, which includes protein predictors and evolutionary conservation, supports that this variant does not alter protein structure/function; Has not been previously published as pathogenic or benign to our knowledge

NM_015559.3(SETBP1):c.1087G>T (p.Asp363Tyr)

Gene: SETBP1 (SET binding protein 1; plus strand). Cytogenetic location: 18q12.3.
Variant type: single nucleotide variant.
Coding change: c.1087G>T on transcript NM_015559.3 (MANE Select); coding-DNA position 1087, G replaced by T.
Protein change: p.Asp363Tyr; replaces aspartic acid 363 with tyrosine.
Molecular consequence: missense variant.
Genome position (GRCh38, 1-based): chr18:44,950,427, G>T. VCF-style: chr18-44950427-G-T. GRCh37 (hg19) VCF-style: chr18-42530392-G-T.
Other names: c.1087G>T, p.Asp363Tyr (NM_001379141.1, NM_001379142.1); short protein forms D363Y.
Identifiers: ClinVar variation 1218501 (VCV001218501.12), dbSNP rs201685079, ClinGen allele CA8945550.
Genomic context (GRCh38, chr18:44,950,427, plus strand): 5'-ATAAGTCAGACCATACCAAACCCAGACCTGGATTGGGTCAAGAATGCCCAGAAAGCATTT[G>T]ACAATACAGAAGGGAAAAGGGAAGGTTATTCCGCAGATAGTGCCCAAGAGGCATCACCAG-3'
Protein context (NP_056374.2, residues 353-373): DWVKNAQKAF[Asp363Tyr]NTEGKREGYS